The following is an entry in ClinVar:

NM_025099.6(CTC1):c.466C>G (p.His156Asp)

Gene: CTC1 (CST telomere replication complex component 1; minus strand). Cytogenetic location: 17p13.1.
Variant type: single nucleotide variant.
Coding change: c.466C>G on transcript NM_025099.6 (MANE Select); coding-DNA position 466, C replaced by G.
Protein change: p.His156Asp; replaces histidine 156 with aspartic acid.
Molecular consequence: missense variant. On other transcripts: non-coding transcript variant (1).
Genome position (GRCh38, 1-based): chr17:8,238,212, G>C on the plus strand (C>G on the coding strand, the complement: CTC1 is on the minus strand). VCF-style: chr17-8238212-G-C. GRCh37 (hg19) VCF-style: chr17-8141530-G-C.
Other names: short protein forms H156D.
Identifiers: ClinVar variation 953310 (VCV000953310.6), dbSNP rs1987914284, ClinGen allele CA397992876.

ClinVar aggregate classification (germline): Uncertain significance (1 of 4 stars; one submission).

Conditions:
Dyskeratosis congenita. Identifiers: Orphanet 1775, MedGen C0265965, MONDO:0015780.

Allele frequency attached by ClinVar (database versions not stated): gnomAD exomes 0.00001.
gnomAD v4.1: 3 of 1,610,692 alleles (0.00019%); highest among the groups gnomAD compares: Non-Finnish European, 0.00025%; no homozygotes.

Submission:

Labcorp Genetics (formerly Invitae), Labcorp
Classification: Uncertain significance for Dyskeratosis congenita. Last evaluated: 2026-01-26. Review status: criteria provided, single submitter. Criteria: Invitae Variant Classification Sherloc (09022015). Collection method: clinical testing. Allele origin: germline.
Comment: This sequence change replaces histidine, which is basic and polar, with aspartic acid, which is acidic and polar, at codon 156 of the CTC1 protein (p.His156Asp). This variant is not present in population databases (gnomAD no frequency). This variant has not been reported in the literature in individuals affected with CTC1-related conditions. ClinVar contains an entry for this variant (Variation ID: 953310). Invitae Evidence Modeling of protein sequence and biophysical properties (such as structural, functional, and spatial information, amino acid conservation, physicochemical variation, residue mobility, and thermodynamic stability) indicates that this missense variant is expected to disrupt CTC1 protein function with a positive predictive value of 80%. In summary, the available evidence is currently insufficient to determine the role of this variant in disease. Therefore, it has been classified as a Variant of Uncertain Significance.